The following is an entry in ClinVar:

ClinVar aggregate classification (germline): Uncertain significance (1 of 4 stars; one submission).

Submission:

Labcorp Genetics (formerly Invitae), Labcorp
Classification: Uncertain significance. Last evaluated: 2023-08-28. Review status: criteria provided, single submitter. Criteria: Invitae Variant Classification Sherloc (09022015). Collection method: clinical testing. Allele origin: germline.
Comment: This variant results in a copy number gain of the genomic region encompassing exon(s) 2-6 of the COQ7 gene. This region includes the termination codon of the gene. This copy number gain extends beyond the assayed region for this gene and therefore may encompass additional genes. As the precise location of this event is unknown, it may be in tandem or it may be located elsewhere in the genome. This variant has not been reported in the literature in individuals affected with COQ7-related conditions. Experimental studies and prediction algorithms are not available or were not evaluated, and the functional significance of this variant is currently unknown. In summary, the available evidence is currently insufficient to determine the role of this variant in disease. Therefore, it has been classified as a Variant of Uncertain Significance.

NC_000016.9:g.(?_19083230)_(19089480_?)dup

Gene: COQ7 (coenzyme Q7, hydroxylase; plus strand). Cytogenetic location: 16p12.3.
Variant type: Duplication.
Identifiers: ClinVar variation 1412021 (VCV001412021.5).